The following is an entry in ClinVar:

NM_015267.4(CUX2):c.455C>T (p.Ser152Leu)

Gene: CUX2 (cut like homeobox 2; plus strand). Cytogenetic location: 12q24.11.
Variant type: single nucleotide variant.
Coding change: c.455C>T on transcript NM_015267.4 (MANE Select); coding-DNA position 455, C replaced by T.
Protein change: p.Ser152Leu; replaces serine 152 with leucine.
Molecular consequence: missense variant.
Genome position (GRCh38, 1-based): chr12:111,293,464, C>T. VCF-style: chr12-111293464-C-T. GRCh37 (hg19) VCF-style: chr12-111731268-C-T.
Other names: c.269C>T, p.Ser90Leu (NM_001370598.1); short protein forms S152L, S90L.
Identifiers: ClinVar variation 1694675 (VCV001694675.31), dbSNP rs964705290, ClinGen allele CA243601058.

ClinVar aggregate classification (germline): Likely benign (1 of 4 stars; one submission).

Allele frequency attached by ClinVar (database versions not stated): gnomAD exomes 0.00001; gnomAD 0.00002; TOPMed 0.00002.
gnomAD v4.1: 11 of 1,608,060 alleles (0.00068%); highest among the groups gnomAD compares: South Asian, 0.0033%; no homozygotes.

Submission:

CeGaT Center for Human Genetics Tuebingen
Classification: Likely benign. Last evaluated: 2025-08-01. Review status: criteria provided, single submitter. Criteria: CeGaT Center For Human Genetics Tuebingen Variant Classification Criteria Version 2. Collection method: clinical testing. Allele origin: germline. Affected: yes. Observed: 2 variant alleles.
Comment: CUX2: BP4